The following is an entry in ClinVar:

ClinVar aggregate classification (germline): Pathogenic (1 of 4 stars; one submission).

Conditions:
Severe myoclonic epilepsy in infancy (DRVT). Also called: Epileptic encephalopathy, early infantile, 6 (Dravet syndrome); SEVERE MYOCLONIC EPILEPSY OF INFANCY; DEVELOPMENTAL AND EPILEPTIC ENCEPHALOPATHY 6A; Severe Myoclonic Epilepsy in Infancy (SMEI); Dravet syndrome. Identifiers: Orphanet 33069, MedGen C0751122, MONDO:0100135, OMIM 607208.

Submission:

Center for Bioinformatics, Peking University
Classification: Pathogenic for Dravet syndrome. Last evaluated: 2014-12-20. Review status: criteria provided, single submitter. Criteria: Xu et al. (Hum Mutat. 2015). Collection method: research. Allele origin: de novo. Affected: yes. Observed: 1 variant allele. Study: University Clinical Cooperation “985 Project” PKU-2014-1-1.
Comment: Dravet syndrome (DS) probands were recruited from the outpatient and inpatient child neurology units of Peking University First Hospital from 2005 till present. The study was approved by the Ethics Committee of Peking University First Hospital and the Institutional Review Board at Peking University. Participants or their parents provided written informed consent before enrollment. We collected a total of 267 mutations from 255 families with probands diagnosed with DS in China. All probands fulfilled the clinical diagnostic criteria.

NM_001165963.4(SCN1A):c.751del (p.Val250_Met251insTer)

Gene: SCN1A (sodium voltage-gated channel alpha subunit 1; minus strand). Cytogenetic location: 2q24.3.
Variant type: Deletion.
Coding change: c.751del on transcript NM_001165963.4 (MANE Select); coding-DNA position 751, one base deleted (A; older notation c.751delA).
Protein change: p.Val250_Met251insTer.
Molecular consequence: nonsense. On other transcripts: 5 prime UTR variant (1), non-coding transcript variant (1).
Genome position (GRCh38, 1-based): chr2:166,051,932, T deleted on the plus strand (A on the coding strand, the reverse complement: SCN1A is on the minus strand); the first of 2 consecutive T bases (chr2:166,051,932-166,051,933); deleting either gives the same sequence. VCF-style (leftmost placement, unchanged base first): chr2-166051931-AT-A. GRCh37 (hg19) VCF-style: chr2-166908441-AT-A.
Other names: c.751del, p.Val250_Met251insTer (NM_001165964.3, NM_001202435.3, NM_001353948.2 and 10 more transcripts); c.-1675del (NM_001353961.2).
Identifiers: ClinVar variation 189910 (VCV000189910.1), dbSNP rs794726751, ClinGen allele CA303281.